The following is an entry in ClinVar:

NM_013266.4(CTNNA3):c.1144A>G (p.Ile382Val)

Gene: CTNNA3 (catenin alpha 3; minus strand). Cytogenetic location: 10q21.3.
Variant type: single nucleotide variant.
Coding change: c.1144A>G on transcript NM_013266.4 (MANE Select); coding-DNA position 1144, A replaced by G.
Protein change: p.Ile382Val; replaces isoleucine 382 with valine.
Molecular consequence: missense variant.
Genome position (GRCh38, 1-based): chr10:66,766,401, T>C on the plus strand (A>G on the coding strand, the complement: CTNNA3 is on the minus strand). VCF-style: chr10-66766401-T-C. GRCh37 (hg19) VCF-style: chr10-68526159-T-C.
Other names: c.1144A>G, p.Ile382Val (NM_001127384.3); short protein forms I382V.
Identifiers: ClinVar variation 2073812 (VCV002073812.4), dbSNP rs1312731220, ClinGen allele CA377092063.

ClinVar aggregate classification (germline): Uncertain significance (1 of 4 stars; one submission).

Conditions:
Arrhythmogenic right ventricular dysplasia 13. Also called: Arrhythmogenic right ventricular dysplasia, familial, 13; ARRHYTHMOGENIC RIGHT VENTRICULAR CARDIOMYOPATHY 13. Identifiers: MedGen C3810138, MONDO:0000908, OMIM 615616.

gnomAD v4.1: 4 of 1,613,006 alleles (0.00025%); highest among the groups gnomAD compares: East Asian, 0.0067%; no homozygotes.

Submission:

Labcorp Genetics (formerly Invitae), Labcorp
Classification: Uncertain significance for Arrhythmogenic right ventricular dysplasia 13. Last evaluated: 2022-04-28. Review status: criteria provided, single submitter. Criteria: Invitae Variant Classification Sherloc (09022015). Collection method: clinical testing. Allele origin: germline.
Comment: This variant has not been reported in the literature in individuals affected with CTNNA3-related conditions. This variant is present in population databases (no rsID available, gnomAD 0.006%). This sequence change replaces isoleucine, which is neutral and non-polar, with valine, which is neutral and non-polar, at codon 382 of the CTNNA3 protein (p.Ile382Val). In summary, the available evidence is currently insufficient to determine the role of this variant in disease. Therefore, it has been classified as a Variant of Uncertain Significance. Algorithms developed to predict the effect of missense changes on protein structure and function (SIFT, PolyPhen-2, Align-GVGD) all suggest that this variant is likely to be tolerated.